The following is an entry in ClinVar:

NM_005732.4(RAD50):c.592A>G (p.Thr198Ala)

Gene: RAD50 (RAD50 double strand break repair protein; plus strand). Cytogenetic location: 5q31.1.
Variant type: single nucleotide variant.
Coding change: c.592A>G on transcript NM_005732.4 (MANE Select); coding-DNA position 592, A replaced by G.
Protein change: p.Thr198Ala; replaces threonine 198 with alanine.
Molecular consequence: missense variant.
Genome position (GRCh38, 1-based): chr5:132,579,902, A>G. VCF-style: chr5-132579902-A-G. GRCh37 (hg19) VCF-style: chr5-131915594-A-G.
Other names: short protein forms T198A.
Identifiers: ClinVar variation 486262 (VCV000486262.15), dbSNP rs1554097804, ClinGen allele CA360935705.

ClinVar aggregate classification (germline): Uncertain significance. Review status: criteria provided, multiple submitters, no conflicts (2 of 4 stars). 2 submissions from 2 submitters: Uncertain significance (2). Last evaluated 2023-08-25.

Conditions:
Hereditary cancer-predisposing syndrome. Also called: Tumor predisposition; Hereditary Cancer Syndrome; Hereditary neoplastic syndrome; Neoplastic Syndromes, Hereditary. Identifiers: Orphanet 140162, MedGen C0027672, MeSH D009386, MONDO:0015356.

gnomAD v4.1: 6 of 1,613,190 alleles (0.00037%); highest among the groups gnomAD compares: Non-Finnish European, 0.00051%; no homozygotes.

Submissions (2):

Labcorp Genetics (formerly Invitae), Labcorp
Classification: Uncertain significance for Hereditary cancer-predisposing syndrome. Last evaluated: 2023-08-25. Review status: criteria provided, single submitter. Criteria: Invitae Variant Classification Sherloc (09022015). Collection method: clinical testing. Allele origin: germline.
Comment: This variant is not present in population databases (gnomAD no frequency). In summary, the available evidence is currently insufficient to determine the role of this variant in disease. Therefore, it has been classified as a Variant of Uncertain Significance. Advanced modeling of protein sequence and biophysical properties (such as structural, functional, and spatial information, amino acid conservation, physicochemical variation, residue mobility, and thermodynamic stability) performed at Invitae indicates that this missense variant is not expected to disrupt RAD50 protein function. ClinVar contains an entry for this variant (Variation ID: 486262). This variant has not been reported in the literature in individuals affected with RAD50-related conditions. This sequence change replaces threonine, which is neutral and polar, with alanine, which is neutral and non-polar, at codon 198 of the RAD50 protein (p.Thr198Ala).

Ambry Genetics
Classification: Uncertain significance for Hereditary cancer-predisposing syndrome. Last evaluated: 2017-07-03. Review status: criteria provided, single submitter. Criteria: Ambry Variant Classification Scheme 2023. Collection method: clinical testing. Allele origin: germline.
Comment: The p.T198A variant (also known as c.592A>G), located in coding exon 5 of the RAD50 gene, results from an A to G substitution at nucleotide position 592. The threonine at codon 198 is replaced by alanine, an amino acid with similar properties. This amino acid position is highly conserved through opossum but not in all available vertebrate species. In addition, this alteration is predicted to be tolerated by in silico analysis. Since supporting evidence is limited at this time, the clinical significance of this alteration remains unclear.